The following is an entry in ClinVar:

ClinVar aggregate classification (germline): Uncertain significance. Review status: criteria provided, multiple submitters, no conflicts (2 of 4 stars). 2 submissions from 2 submitters: Uncertain significance (2). Last evaluated 2025-01-19.

Conditions:
Inborn genetic diseases. Identifiers: MedGen C0950123, MeSH D030342.

gnomAD v4.1: 2 of 1,614,030 alleles (0.00012%); highest among the groups gnomAD compares: South Asian, 0.0011%; no homozygotes.

Submissions (2):

Ambry Genetics
Classification: Uncertain significance for Inborn genetic diseases. Last evaluated: 2025-01-19. Review status: criteria provided, single submitter. Criteria: Ambry Variant Classification Scheme 2023. Collection method: clinical testing. Allele origin: germline.

Labcorp Genetics (formerly Invitae), Labcorp
Classification: Uncertain significance. Last evaluated: 2022-03-11. Review status: criteria provided, single submitter. Criteria: Invitae Variant Classification Sherloc (09022015). Collection method: clinical testing. Allele origin: germline.
Comment: This sequence change replaces alanine, which is neutral and non-polar, with aspartic acid, which is acidic and polar, at codon 854 of the KMT2A protein (p.Ala854Asp). This variant is not present in population databases (gnomAD no frequency). This variant has not been reported in the literature in individuals affected with KMT2A-related conditions. Advanced modeling of protein sequence and biophysical properties (such as structural, functional, and spatial information, amino acid conservation, physicochemical variation, residue mobility, and thermodynamic stability) performed at Invitae indicates that this missense variant is not expected to disrupt KMT2A protein function. In summary, the available evidence is currently insufficient to determine the role of this variant in disease. Therefore, it has been classified as a Variant of Uncertain Significance.

NM_001197104.2(KMT2A):c.2561C>A (p.Ala854Asp)

Gene: KMT2A (lysine methyltransferase 2A; plus strand). Cytogenetic location: 11q23.3.
Variant type: single nucleotide variant.
Coding change: c.2561C>A on transcript NM_001197104.2 (MANE Select); coding-DNA position 2561, C replaced by A.
Protein change: p.Ala854Asp; replaces alanine 854 with aspartic acid.
Molecular consequence: missense variant.
Genome position (GRCh38, 1-based): chr11:118,473,720, C>A. VCF-style: chr11-118473720-C-A. GRCh37 (hg19) VCF-style: chr11-118344435-C-A.
Other names: c.2660C>A, p.Ala887Asp (NM_001412597.1); c.2561C>A, p.Ala854Asp (NM_005933.4); short protein forms A854D, A887D.
Identifiers: ClinVar variation 2097530 (VCV002097530.5), dbSNP rs377416766, ClinGen allele CA382816139.